The following is an entry in ClinVar:

NM_005911.6(MAT2A):c.1019A>G (p.Lys340Arg)

Genes: GGCX (gamma-glutamyl carboxylase; minus strand), MAT2A (methionine adenosyltransferase 2A; plus strand). Cytogenetic location: 2p11.2.
Variant type: single nucleotide variant.
Coding change: c.1019A>G on transcript NM_005911.6 (MANE Select); coding-DNA position 1019, A replaced by G.
Protein change: p.Lys340Arg; replaces lysine 340 with arginine.
Molecular consequence: missense variant.
Genome position (GRCh38, 1-based): chr2:85,542,968, A>G. VCF-style: chr2-85542968-A-G. GRCh37 (hg19) VCF-style: chr2-85770091-A-G.
Other names: c.1019A>G (NM_005911.5); short protein forms K340R.
Identifiers: ClinVar variation 2085462 (VCV002085462.5), dbSNP rs1691516597, ClinGen allele CA347478374.

ClinVar aggregate classification (germline): Uncertain significance. Review status: criteria provided, multiple submitters, no conflicts (2 of 4 stars). 2 submissions from 2 submitters: Uncertain significance (2). Last evaluated 2024-05-30.

Conditions:
Cardiovascular phenotype. Identifiers: MedGen CN230736.
Familial thoracic aortic aneurysm and aortic dissection (TAAD). Also called: Thoracic aortic aneurysms and dissections. Identifiers: Orphanet 91387, MedGen C4707243, MONDO:0019625.

Allele frequency attached by ClinVar (database versions not stated): gnomAD exomes below 0.00001.
gnomAD v4.1: 2 of 1,612,652 alleles (0.00012%); highest among the groups gnomAD compares: Non-Finnish European, 0.00017%; no homozygotes.

Submissions (2):

Ambry Genetics
Classification: Uncertain significance for Cardiovascular phenotype. Last evaluated: 2024-05-30. Review status: criteria provided, single submitter. Criteria: Ambry Variant Classification Scheme 2023. Collection method: clinical testing. Allele origin: germline.
Comment: The p.K340R variant (also known as c.1019A>G), located in coding exon 8 of the MAT2A gene, results from an A to G substitution at nucleotide position 1019. The lysine at codon 340 is replaced by arginine, an amino acid with highly similar properties. This amino acid position is conserved. In addition, the in silico prediction for this alteration is inconclusive. Based on the available evidence, the clinical significance of this variant remains unclear.

Labcorp Genetics (formerly Invitae), Labcorp
Classification: Uncertain significance for Familial thoracic aortic aneurysm and aortic dissection. Last evaluated: 2022-10-26. Review status: criteria provided, single submitter. Criteria: Invitae Variant Classification Sherloc (09022015). Collection method: clinical testing. Allele origin: germline.
Comment: This sequence change replaces lysine, which is basic and polar, with arginine, which is basic and polar, at codon 340 of the MAT2A protein (p.Lys340Arg). This variant is not present in population databases (gnomAD no frequency). This variant has not been reported in the literature in individuals affected with MAT2A-related conditions. Advanced modeling of protein sequence and biophysical properties (such as structural, functional, and spatial information, amino acid conservation, physicochemical variation, residue mobility, and thermodynamic stability) performed at Invitae indicates that this missense variant is not expected to disrupt MAT2A protein function. In summary, the available evidence is currently insufficient to determine the role of this variant in disease. Therefore, it has been classified as a Variant of Uncertain Significance.